The following is an entry in ClinVar:

NM_012203.2(GRHPR):c.107_214+25del

Gene: GRHPR (glyoxylate and hydroxypyruvate reductase; plus strand). Cytogenetic location: 9p13.2.
Variant type: Deletion.
Coding change: c.107_214+25del on transcript NM_012203.2 (MANE Select); coding-DNA position 107 through 25 bases into the intron after coding-DNA position 214, 133 bases deleted.
Molecular consequence: splice donor variant.
Genome position (GRCh38, 1-based): chr9:37,424,868-37,425,000, 133 bases deleted. GRCh37 (hg19): chr9:37,424,865-37,424,997.
Identifiers: ClinVar variation 2844295 (VCV002844295.3), dbSNP rs2489231901, ClinGen allele CA2739269207.

ClinVar aggregate classification (germline): Likely pathogenic (1 of 4 stars; one submission).

Submission:

Labcorp Genetics (formerly Invitae), Labcorp
Classification: Likely pathogenic. Last evaluated: 2023-10-10. Review status: criteria provided, single submitter. Criteria: Invitae Variant Classification Sherloc (09022015). Collection method: clinical testing. Allele origin: germline.
Comment: This variant results in the deletion of part of exon 2 (c.107_214+25del) of the GRHPR gene. It is expected to disrupt RNA splicing. Variants that disrupt the donor or acceptor splice site typically lead to a loss of protein function (PMID: 16199547), and loss-of-function variants in GRHPR are known to be pathogenic (PMID: 25644115). This variant is not present in population databases (gnomAD no frequency). This variant has not been reported in the literature in individuals affected with GRHPR-related conditions. Algorithms developed to predict the effect of sequence changes on RNA splicing suggest that this variant may disrupt the consensus splice site. In summary, the currently available evidence indicates that the variant is pathogenic, but additional data are needed to prove that conclusively. Therefore, this variant has been classified as Likely Pathogenic.

Literature cited by the submitters: PubMed 16199547; PubMed 25644115.